The following is an entry in ClinVar:

ClinVar aggregate classification (germline): Uncertain significance. Review status: criteria provided, multiple submitters, no conflicts (2 of 4 stars). 3 submissions from 3 submitters: Uncertain significance (2). 1 of the submissions does not count toward it. Last evaluated 2025-09-02.

Conditions:
Fumarase deficiency (FMRD). Also called: Fumaric aciduria; Fumarate Hydratase Deficiency. Identifiers: Orphanet 24, MedGen C0342770, MONDO:0011730, OMIM 606812.
Hereditary cancer-predisposing syndrome. Also called: Neoplastic Syndromes, Hereditary; Hereditary neoplastic syndrome; Tumor predisposition; Hereditary Cancer Syndrome. Identifiers: Orphanet 140162, MedGen C0027672, MeSH D009386, MONDO:0015356.

gnomAD v4.1: 3 of 1,613,448 alleles (0.00019%); highest among the groups gnomAD compares: South Asian, 0.0011%; no homozygotes.

Submissions (3):

Labcorp Genetics (formerly Invitae), Labcorp
Classification: Uncertain significance. Last evaluated: 2025-09-02. Review status: criteria provided, single submitter. Criteria: Invitae Variant Classification Sherloc (09022015). Collection method: clinical testing. Allele origin: germline.
Comment: This sequence change replaces lysine, which is basic and polar, with isoleucine, which is neutral and non-polar, at codon 223 of the FH protein (p.Lys223Ile). This variant is not present in population databases (gnomAD no frequency). This variant has not been reported in the literature in individuals affected with FH-related conditions. ClinVar contains an entry for this variant (Variation ID: 660275). Invitae Evidence Modeling of protein sequence and biophysical properties (such as structural, functional, and spatial information, amino acid conservation, physicochemical variation, residue mobility, and thermodynamic stability) has been performed for this missense variant. However, the output from this modeling did not meet the statistical confidence thresholds required to predict the impact of this variant on FH protein function. In summary, the available evidence is currently insufficient to determine the role of this variant in disease. Therefore, it has been classified as a Variant of Uncertain Significance.

Ambry Genetics
Classification: Uncertain significance for Hereditary cancer-predisposing syndrome. Last evaluated: 2024-02-06. Review status: criteria provided, single submitter. Criteria: Ambry Variant Classification Scheme 2023. Collection method: clinical testing. Allele origin: germline.
Comment: The p.K223I variant (also known as c.668A>T), located in coding exon 5 of the FH gene, results from an A to T substitution at nucleotide position 668. The lysine at codon 223 is replaced by isoleucine, an amino acid with dissimilar properties. This amino acid position is not well conserved in available vertebrate species. In addition, the in silico prediction for this alteration is inconclusive. Based on the available evidence, the clinical significance of this alteration remains unclear.

Natera, Inc.
Classification: Uncertain significance for Fumarase Deficiency. Last evaluated: 2020-07-14. Review status: no assertion criteria provided. Collection method: clinical testing. Allele origin: germline. Not counted in ClinVar's aggregate classification.

NM_000143.4(FH):c.668A>T (p.Lys223Ile)

Gene: FH (fumarate hydratase; minus strand). Cytogenetic location: 1q43.
Variant type: single nucleotide variant.
Coding change: c.668A>T on transcript NM_000143.4 (MANE Select); coding-DNA position 668, A replaced by T.
Protein change: p.Lys223Ile; replaces lysine 223 with isoleucine.
Molecular consequence: missense variant.
Genome position (GRCh38, 1-based): chr1:241,508,673, T>A on the plus strand (A>T on the coding strand, the complement: FH is on the minus strand). VCF-style: chr1-241508673-T-A. GRCh37 (hg19) VCF-style: chr1-241671973-T-A.
Other names: short protein forms K223I.
Identifiers: ClinVar variation 660275 (VCV000660275.13), dbSNP rs1064795294, ClinGen allele CA345439280.
Genomic context (GRCh38, chr1:241,508,673, plus strand): 5'-GTAAGTGGAACAGCATCCTGAGTATGAGTACGTCCAATCTTGATGATCTGTGCAAACTCT[T>A]TGGATTTTGCATCAAGAGCATCATGTAACTTCTGTAGTCCTGGTAACAGTACTTCATGAA-3'
Protein context (NP_000134.2, residues 213-233): KLHDALDAKS[Lys223Ile]EFAQIIKIGR